The following is an entry in ClinVar:

NM_001854.4(COL11A1):c.268T>C (p.Phe90Leu)

Gene: COL11A1 (collagen type XI alpha 1 chain; minus strand). Cytogenetic location: 1p21.1.
Variant type: single nucleotide variant.
Coding change: c.268T>C on transcript NM_001854.4 (MANE Select); coding-DNA position 268, T replaced by C.
Protein change: p.Phe90Leu; replaces phenylalanine 90 with leucine.
Molecular consequence: missense variant. On other transcripts: non-coding transcript variant (1).
Genome position (GRCh38, 1-based): chr1:103,082,811, A>G on the plus strand (T>C on the coding strand, the complement: COL11A1 is on the minus strand). VCF-style: chr1-103082811-A-G. GRCh37 (hg19) VCF-style: chr1-103548367-A-G.
Other names: c.268T>C, p.Phe90Leu (NM_001168249.1, NM_001190709.2, NM_080629.3 and 1 more transcripts); short protein forms F90L.
Identifiers: ClinVar variation 2099496 (VCV002099496.4), dbSNP rs373790561, ClinGen allele CA341168446.

ClinVar aggregate classification (germline): Uncertain significance (1 of 4 stars; one submission).

Submission:

Labcorp Genetics (formerly Invitae), Labcorp
Classification: Uncertain significance. Last evaluated: 2022-03-17. Review status: criteria provided, single submitter. Criteria: Invitae Variant Classification Sherloc (09022015). Collection method: clinical testing. Allele origin: germline.
Comment: This sequence change replaces phenylalanine, which is neutral and non-polar, with leucine, which is neutral and non-polar, at codon 90 of the COL11A1 protein (p.Phe90Leu). This variant is not present in population databases (gnomAD no frequency). This variant has not been reported in the literature in individuals affected with COL11A1-related conditions. Advanced modeling of protein sequence and biophysical properties (such as structural, functional, and spatial information, amino acid conservation, physicochemical variation, residue mobility, and thermodynamic stability) performed at Invitae indicates that this missense variant is not expected to disrupt COL11A1 protein function. In summary, the available evidence is currently insufficient to determine the role of this variant in disease. Therefore, it has been classified as a Variant of Uncertain Significance.